The following is an entry in ClinVar:

NM_000048.4(ASL):c.1285G>T (p.Asp429Tyr)

Gene: ASL (argininosuccinate lyase; plus strand). Cytogenetic location: 7q11.21.
Variant type: single nucleotide variant.
Coding change: c.1285G>T on transcript NM_000048.4 (MANE Select); coding-DNA position 1285, G replaced by T.
Protein change: p.Asp429Tyr; replaces aspartic acid 429 with tyrosine.
Molecular consequence: missense variant.
Genome position (GRCh38, 1-based): chr7:66,092,802, G>T. VCF-style: chr7-66092802-G-T. GRCh37 (hg19) VCF-style: chr7-65557789-G-T.
Other names: c.1285G>T, p.Asp429Tyr (NM_001024943.2); c.1225G>T, p.Asp409Tyr (NM_001024944.2); c.1207G>T, p.Asp403Tyr (NM_001024946.2); short protein forms D403Y, D409Y, D429Y.
Identifiers: ClinVar variation 849623 (VCV000849623.9), dbSNP rs1415535789, ClinGen allele CA367652888.

ClinVar aggregate classification (germline): Uncertain significance (1 of 4 stars; one submission).

Conditions:
Argininosuccinate lyase deficiency. Also called: ASL DEFICIENCY; ARGININOSUCCINIC ACID LYASE DEFICIENCY; Argininosuccinic aciduria. Identifiers: Orphanet 23, MedGen C0268547, MONDO:0008815, OMIM 207900, HP:0025630.

Allele frequency attached by ClinVar (database versions not stated): gnomAD exomes 0.00001.
gnomAD v4.1: 2 of 1,613,912 alleles (0.00012%); highest among the groups gnomAD compares: East Asian, 0.0022%; no homozygotes.

Submission:

Labcorp Genetics (formerly Invitae), Labcorp
Classification: Uncertain significance for Argininosuccinate lyase deficiency. Last evaluated: 2025-11-21. Review status: criteria provided, single submitter. Criteria: Invitae Variant Classification Sherloc (09022015). Collection method: clinical testing. Allele origin: germline.
Comment: This sequence change replaces aspartic acid, which is acidic and polar, with tyrosine, which is neutral and polar, at codon 429 of the ASL protein (p.Asp429Tyr). This variant is present in population databases (no rsID available, gnomAD 0.006%). This variant has not been reported in the literature in individuals affected with ASL-related conditions. ClinVar contains an entry for this variant (Variation ID: 849623). Invitae Evidence Modeling of protein sequence and biophysical properties (such as structural, functional, and spatial information, amino acid conservation, physicochemical variation, residue mobility, and thermodynamic stability) indicates that this missense variant is expected to disrupt ASL protein function with a positive predictive value of 95%. In summary, the available evidence is currently insufficient to determine the role of this variant in disease. Therefore, it has been classified as a Variant of Uncertain Significance.